The following is an entry in ClinVar:

ClinVar aggregate classification (germline): Uncertain significance (1 of 4 stars; one submission).

Submission:

Labcorp Genetics (formerly Invitae), Labcorp
Classification: Uncertain significance. Last evaluated: 2025-03-31. Review status: criteria provided, single submitter. Criteria: Invitae Variant Classification Sherloc (09022015). Collection method: clinical testing. Allele origin: germline.
Comment: This sequence change replaces proline, which is neutral and non-polar, with alanine, which is neutral and non-polar, at codon 44 of the SAG protein (p.Pro44Ala). This variant is not present in population databases (gnomAD no frequency). This variant has not been reported in the literature in individuals affected with SAG-related conditions. Invitae Evidence Modeling of protein sequence and biophysical properties (such as structural, functional, and spatial information, amino acid conservation, physicochemical variation, residue mobility, and thermodynamic stability) indicates that this missense variant is not expected to disrupt SAG protein function with a negative predictive value of 80%. In summary, the available evidence is currently insufficient to determine the role of this variant in disease. Therefore, it has been classified as a Variant of Uncertain Significance.

NM_000541.5(SAG):c.130C>G (p.Pro44Ala)

Gene: SAG (S-antigen visual arrestin; plus strand). Cytogenetic location: 2q37.1.
Variant type: single nucleotide variant.
Coding change: c.130C>G on transcript NM_000541.5 (MANE Select); coding-DNA position 130, C replaced by G.
Protein change: p.Pro44Ala; replaces proline 44 with alanine.
Molecular consequence: missense variant.
Genome position (GRCh38, 1-based): chr2:233,316,129, C>G. VCF-style: chr2-233316129-C-G. GRCh37 (hg19) VCF-style: chr2-234224775-C-G.
Other names: short protein forms P44A.
Identifiers: ClinVar variation 3616960 (VCV003616960.2).